The following is an entry in ClinVar:

NM_002691.4(POLD1):c.941G>T (p.Ser314Ile)

Gene: POLD1 (DNA polymerase delta 1, catalytic subunit; plus strand). Cytogenetic location: 19q13.33.
Variant type: single nucleotide variant.
Coding change: c.941G>T on transcript NM_002691.4 (MANE Select); coding-DNA position 941, G replaced by T.
Protein change: p.Ser314Ile; replaces serine 314 with isoleucine.
Molecular consequence: missense variant. On other transcripts: non-coding transcript variant (1).
Genome position (GRCh38, 1-based): chr19:50,402,712, G>T. VCF-style: chr19-50402712-G-T. GRCh37 (hg19) VCF-style: chr19-50905969-G-T.
Other names: c.941G>T, p.Ser314Ile (NM_001256849.1, NM_001308632.1); short protein forms S314I.
Identifiers: ClinVar variation 3935577 (VCV003935577.1).

ClinVar aggregate classification (germline): Uncertain significance (1 of 4 stars; one submission).

Conditions:
Hereditary cancer-predisposing syndrome. Also called: Tumor predisposition; Hereditary neoplastic syndrome; Hereditary Cancer Syndrome; Neoplastic Syndromes, Hereditary. Identifiers: Orphanet 140162, MedGen C0027672, MeSH D009386, MONDO:0015356.

Submission:

Ambry Genetics
Classification: Uncertain significance for Hereditary cancer-predisposing syndrome. Last evaluated: 2025-05-15. Review status: criteria provided, single submitter. Criteria: Ambry Variant Classification Scheme 2023. Collection method: clinical testing. Allele origin: germline.
Comment: The p.S314I variant (also known as c.941G>T), located in coding exon 7 of the POLD1 gene, results from a G to T substitution at nucleotide position 941. The serine at codon 314 is replaced by isoleucine, an amino acid with dissimilar properties. This amino acid position is conserved. In addition, the in silico prediction for this alteration is inconclusive. Based on the available evidence, the clinical significance of this variant remains unclear.